The following is an entry in ClinVar:

NM_032444.4(SLX4):c.4197C>G (p.Asp1399Glu)

Gene: SLX4 (SLX4 structure-specific endonuclease subunit; minus strand). Cytogenetic location: 16p13.3.
Variant type: single nucleotide variant.
Coding change: c.4197C>G on transcript NM_032444.4 (MANE Select); coding-DNA position 4197, C replaced by G.
Protein change: p.Asp1399Glu; replaces aspartic acid 1399 with glutamic acid.
Molecular consequence: missense variant.
Genome position (GRCh38, 1-based): chr16:3,589,441, G>C on the plus strand (C>G on the coding strand, the complement: SLX4 is on the minus strand). VCF-style: chr16-3589441-G-C. GRCh37 (hg19) VCF-style: chr16-3639442-G-C.
Other names: short protein forms D1399E.
Identifiers: ClinVar variation 946655 (VCV000946655.9), dbSNP rs146079010, ClinGen allele CA394518166.

ClinVar aggregate classification (germline): Uncertain significance (1 of 4 stars; one submission).

Conditions:
Fanconi anemia (FA). Also called: Fanconi's anemia. Identifiers: Orphanet 84, MedGen C0015625, MeSH D005199, MONDO:0019391.

Submission:

Labcorp Genetics (formerly Invitae), Labcorp
Classification: Uncertain significance for Fanconi anemia. Last evaluated: 2022-01-04. Review status: criteria provided, single submitter. Criteria: Invitae Variant Classification Sherloc (09022015). Collection method: clinical testing. Allele origin: germline.
Comment: In summary, the available evidence is currently insufficient to determine the role of this variant in disease. Therefore, it has been classified as a Variant of Uncertain Significance. Algorithms developed to predict the effect of missense changes on protein structure and function output the following: SIFT: "Tolerated"; PolyPhen-2: "Benign"; Align-GVGD: "Class C0". The glutamic acid amino acid residue is found in multiple mammalian species, which suggests that this missense change does not adversely affect protein function. ClinVar contains an entry for this variant (Variation ID: 946655). This variant has not been reported in the literature in individuals affected with SLX4-related conditions. This variant is not present in population databases (gnomAD no frequency). This sequence change replaces aspartic acid, which is acidic and polar, with glutamic acid, which is acidic and polar, at codon 1399 of the SLX4 protein (p.Asp1399Glu).